The following is an entry in ClinVar:

ClinVar aggregate classification (germline): Uncertain significance (1 of 4 stars; one submission).

Submission:

Labcorp Genetics (formerly Invitae), Labcorp
Classification: Uncertain significance. Last evaluated: 2022-04-09. Review status: criteria provided, single submitter. Criteria: Invitae Variant Classification Sherloc (09022015). Collection method: clinical testing. Allele origin: germline.
Comment: This sequence change falls in intron 9 of the GNPAT gene. It does not directly change the encoded amino acid sequence of the GNPAT protein. It affects a nucleotide within the consensus splice site. This variant is not present in population databases (gnomAD no frequency). This variant has not been reported in the literature in individuals affected with GNPAT-related conditions. Variants that disrupt the consensus splice site are a relatively common cause of aberrant splicing (PMID: 17576681, 9536098). Algorithms developed to predict the effect of sequence changes on RNA splicing suggest that this variant may disrupt the consensus splice site. In summary, the available evidence is currently insufficient to determine the role of this variant in disease. Therefore, it has been classified as a Variant of Uncertain Significance.

Literature cited by the submitters: PubMed 17576681; PubMed 9536098.

NM_014236.4(GNPAT):c.1279+3A>G

Gene: GNPAT (glyceronephosphate O-acyltransferase; plus strand). Cytogenetic location: 1q42.2.
Variant type: single nucleotide variant.
Coding change: c.1279+3A>G on transcript NM_014236.4 (MANE Select); 3 bases into the intron after coding-DNA position 1279, A replaced by G.
Molecular consequence: intron variant.
Genome position (GRCh38, 1-based): chr1:231,267,906, A>G. VCF-style: chr1-231267906-A-G. GRCh37 (hg19) VCF-style: chr1-231403652-A-G.
Other names: c.1096+3A>G (NM_001316350.2).
Identifiers: ClinVar variation 1517573 (VCV001517573.3), dbSNP rs2102820244, ClinGen allele CA645534500.